The following is an entry in ClinVar:

NM_015559.3(SETBP1):c.961G>C (p.Gly321Arg)

Gene: SETBP1 (SET binding protein 1; plus strand). Cytogenetic location: 18q12.3.
Variant type: single nucleotide variant.
Coding change: c.961G>C on transcript NM_015559.3 (MANE Select); coding-DNA position 961, G replaced by C.
Protein change: p.Gly321Arg; replaces glycine 321 with arginine.
Molecular consequence: missense variant.
Genome position (GRCh38, 1-based): chr18:44,950,301, G>C. VCF-style: chr18-44950301-G-C. GRCh37 (hg19) VCF-style: chr18-42530266-G-C.
Other names: c.961G>C, p.Gly321Arg (NM_001379141.1, NM_001379142.1); c.961G>C (NM_015559.2); short protein forms G321R.
Identifiers: ClinVar variation 1357703 (VCV001357703.7), dbSNP rs2040643241, ClinGen allele CA402317210.

ClinVar aggregate classification (germline): Uncertain significance. Review status: criteria provided, multiple submitters, no conflicts (2 of 4 stars). 2 submissions from 2 submitters: Uncertain significance (2). Last evaluated 2024-08-05.

Conditions:
Inborn genetic diseases. Identifiers: MedGen C0950123, MeSH D030342.

Submissions (2):

Ambry Genetics
Classification: Uncertain significance for Inborn genetic diseases. Last evaluated: 2024-08-05. Review status: criteria provided, single submitter. Criteria: Ambry Variant Classification Scheme 2023. Collection method: clinical testing. Allele origin: germline.

Labcorp Genetics (formerly Invitae), Labcorp
Classification: Uncertain significance. Last evaluated: 2022-02-08. Review status: criteria provided, single submitter. Criteria: Invitae Variant Classification Sherloc (09022015). Collection method: clinical testing. Allele origin: germline.
Comment: This sequence change replaces glycine, which is neutral and non-polar, with arginine, which is basic and polar, at codon 321 of the SETBP1 protein (p.Gly321Arg). Algorithms developed to predict the effect of missense changes on protein structure and function (SIFT, PolyPhen-2, Align-GVGD) all suggest that this variant is likely to be tolerated. This variant has not been reported in the literature in individuals affected with SETBP1-related conditions. This variant is not present in population databases (gnomAD no frequency). In summary, the available evidence is currently insufficient to determine the role of this variant in disease. Therefore, it has been classified as a Variant of Uncertain Significance.